The following is an entry in ClinVar:

NM_020810.3(TRMT5):c.1004G>A (p.Trp335Ter)

Gene: TRMT5 (tRNA methyltransferase 5; minus strand). Cytogenetic location: 14q23.1.
Variant type: single nucleotide variant.
Coding change: c.1004G>A on transcript NM_020810.3 (MANE Select); coding-DNA position 1004, G replaced by A.
Protein change: p.Trp335Ter; replaces tryptophan 335 with a stop codon.
Molecular consequence: nonsense.
Genome position (GRCh38, 1-based): chr14:60,975,915, C>T on the plus strand (G>A on the coding strand, the complement: TRMT5 is on the minus strand). VCF-style: chr14-60975915-C-T. GRCh37 (hg19) VCF-style: chr14-61442633-C-T.
Other names: c.1088G>A, p.Trp363Ter (NM_001350253.1); c.1085G>A, p.Trp362Ter (NM_001350254.1); short protein forms W335*, W362*, W363*.
Identifiers: ClinVar variation 3606804 (VCV003606804.2).

ClinVar aggregate classification (germline): Uncertain significance (1 of 4 stars; one submission).

gnomAD v4.1: 1 of 1,614,134 alleles (0.000062%); highest among the groups gnomAD compares: Admixed American, 0.0017%; no homozygotes.

Submission:

Labcorp Genetics (formerly Invitae), Labcorp
Classification: Uncertain significance. Last evaluated: 2024-04-15. Review status: criteria provided, single submitter. Criteria: Invitae Variant Classification Sherloc (09022015). Collection method: clinical testing. Allele origin: germline.
Comment: This sequence change creates a premature translational stop signal (p.Trp335*) in the TRMT5 gene. It is expected to result in an absent or disrupted protein product. However, the current clinical and genetic evidence is not sufficient to establish whether loss-of-function variants in TRMT5 cause disease. This variant is not present in population databases (gnomAD no frequency). This variant has not been reported in the literature in individuals affected with TRMT5-related conditions. In summary, the available evidence is currently insufficient to determine the role of this variant in disease. Therefore, it has been classified as a Variant of Uncertain Significance.